The following is an entry in ClinVar:

NM_012200.4(B3GAT3):c.716T>A (p.Phe239Tyr)

Gene: B3GAT3 (beta-1,3-glucuronyltransferase 3; minus strand). Cytogenetic location: 11q12.3.
Variant type: single nucleotide variant.
Coding change: c.716T>A on transcript NM_012200.4 (MANE Select); coding-DNA position 716, T replaced by A.
Protein change: p.Phe239Tyr; replaces phenylalanine 239 with tyrosine.
Molecular consequence: missense variant. On other transcripts: non-coding transcript variant (1).
Genome position (GRCh38, 1-based): chr11:62,616,699, A>T on the plus strand (T>A on the coding strand, the complement: B3GAT3 is on the minus strand). VCF-style: chr11-62616699-A-T. GRCh37 (hg19) VCF-style: chr11-62384171-A-T.
Other names: c.695T>A, p.Phe232Tyr (NM_001288721.2); c.716T>A, p.Phe239Tyr (NM_001288722.2, NM_001288723.2); short protein forms F239Y, F232Y.
Identifiers: ClinVar variation 1489718 (VCV001489718.8), dbSNP rs1436330448, ClinGen allele CA380975978.

ClinVar aggregate classification (germline): Uncertain significance (1 of 4 stars; one submission).

Conditions:
Larsen-like syndrome, B3GAT3 type. Also called: Multiple joint dislocations, short stature, craniofacial dysmorphism, with or without congenital heart defects; MULTIPLE JOINT DISLOCATIONS, SHORT STATURE, AND CRANIOFACIAL DYSMORPHISM WITH OR WITHOUT CONGENITAL HEART DEFECTS. Identifiers: Orphanet 284139, MedGen CN034159, MONDO:0009511, OMIM 245600.

Allele frequency attached by ClinVar (database versions not stated): gnomAD exomes below 0.00001; TOPMed 0.00001; gnomAD 0.00002.

Submission:

Labcorp Genetics (formerly Invitae), Labcorp
Classification: Uncertain significance for Larsen-like syndrome, B3GAT3 type. Last evaluated: 2021-07-19. Review status: criteria provided, single submitter. Criteria: Invitae Variant Classification Sherloc (09022015). Collection method: clinical testing. Allele origin: germline.
Comment: This sequence change replaces phenylalanine with tyrosine at codon 239 of the B3GAT3 protein (p.Phe239Tyr). The phenylalanine residue is highly conserved and there is a small physicochemical difference between phenylalanine and tyrosine. This variant is not present in population databases (ExAC no frequency). This variant has not been reported in the literature in individuals affected with B3GAT3-related conditions. Algorithms developed to predict the effect of missense changes on protein structure and function are either unavailable or do not agree on the potential impact of this missense change (SIFT: "Tolerated"; PolyPhen-2: "Possibly Damaging"; Align-GVGD: "Class C0"). In summary, the available evidence is currently insufficient to determine the role of this variant in disease. Therefore, it has been classified as a Variant of Uncertain Significance.